The following is an entry in ClinVar:

ClinVar aggregate classification (germline): Uncertain significance (1 of 4 stars; one submission).

Conditions:
GPBAR1-related disorder. Also called: GPBAR1-related condition.

Submission:

PreventionGenetics, part of Exact Sciences
Classification: Uncertain significance for GPBAR1-related condition. Last evaluated: 2025-03-27. Review status: criteria provided, single submitter. Criteria: ACMG Guidelines, 2015. Collection method: clinical testing. Allele origin: germline.
Comment: The GPBAR1 c.893G>C variant is predicted to result in the amino acid substitution p.Cys298Ser. To our knowledge, this variant has not been reported in the literature. This variant is reported in 0.011% of alleles in individuals of African descent in gnomAD. At this time, the clinical significance of this variant is uncertain due to the absence of conclusive functional and genetic evidence.

NM_170699.3(GPBAR1):c.893G>C (p.Cys298Ser)

Gene: GPBAR1 (G protein-coupled bile acid receptor 1; plus strand). Cytogenetic location: 2q35.
Variant type: single nucleotide variant.
Coding change: c.893G>C on transcript NM_170699.3 (MANE Select); coding-DNA position 893, G replaced by C.
Protein change: p.Cys298Ser; replaces cysteine 298 with serine.
Molecular consequence: missense variant.
Genome position (GRCh38, 1-based): chr2:218,263,617, G>C. VCF-style: chr2-218263617-G-C. GRCh37 (hg19) VCF-style: chr2-219128340-G-C.
Other names: c.893G>C, p.Cys298Ser (NM_001077191.2, NM_001077194.2, NM_001321950.2); short protein forms C298S.
Identifiers: ClinVar variation 4977885 (VCV004977885.1).